The following is an entry in ClinVar:

NM_005902.4(SMAD3):c.739A>T (p.Thr247Ser)

Gene: SMAD3 (SMAD family member 3; plus strand). Cytogenetic location: 15q22.33.
Variant type: single nucleotide variant.
Coding change: c.739A>T on transcript NM_005902.4 (MANE Select); coding-DNA position 739, A replaced by T.
Protein change: p.Thr247Ser; replaces threonine 247 with serine.
Molecular consequence: missense variant.
Genome position (GRCh38, 1-based): chr15:67,181,321, A>T. VCF-style: chr15-67181321-A-T. GRCh37 (hg19) VCF-style: chr15-67473659-A-T.
Other names: c.424A>T, p.Thr142Ser (NM_001145102.2, NM_001407016.1); c.607A>T, p.Thr203Ser (NM_001145103.2, NM_001407012.1); c.154A>T, p.Thr52Ser (NM_001145104.2, NM_001407017.1); c.739A>T, p.Thr247Ser (NM_001407011.1, NM_001407013.1); c.592A>T, p.Thr198Ser (NM_001407014.1); c.292A>T, p.Thr98Ser (NM_001407015.1); short protein forms T142S, T198S, T203S, T247S, T52S, T98S.
Identifiers: ClinVar variation 3072170 (VCV003072170.1), dbSNP rs1963048231, ClinGen allele CA392956160.

ClinVar aggregate classification (germline): Uncertain significance (1 of 4 stars; one submission).

Conditions:
Aneurysm-osteoarthritis syndrome. Also called: SMAD3-Related Loeys-Dietz Syndrome; ANEURYSMS-OSTEOARTHRITIS SYNDROME; Loeys-Dietz syndrome, type 1C; LOEYS-DIETZ SYNDROME WITH OSTEOARTHRITIS. Identifiers: Orphanet 284984, MedGen C3151087, MONDO:0013426, OMIM 613795.

Submission:

All of Us Research Program, National Institutes of Health
Classification: Uncertain significance for Aneurysm-osteoarthritis syndrome. Last evaluated: 2023-08-15. Review status: criteria provided, single submitter. Criteria: ACMG Guidelines, 2015. Collection method: clinical testing. Allele origin: germline. Inheritance: Autosomal dominant inheritance. Observed: 2 variant alleles, 2 heterozygotes.
Comment: This missense variant replaces threonine with serine at codon 247 of the SMAD3 protein. Computational prediction suggests that this variant may have deleterious impact on protein structure and function (internally defined REVEL score threshold >= 0.7, PMID: 27666373). To our knowledge, functional studies have not been reported for this variant. This variant has not been reported in individuals affected with SMAD3-related disorders in the literature. This variant has not been identified in the general population by the Genome Aggregation Database (gnomAD). The available evidence is insufficient to determine the role of this variant in disease conclusively. Therefore, this variant is classified as a Variant of Uncertain Significance.

This study involves interpretation of variants in research participants for the purpose of population health screening. Participant phenotype was not available at the time of variant classification. Additional details can be found in publication PMID: 35346344, PMCID: PMC8962531